The following is an entry in ClinVar:

ClinVar aggregate classification (germline): Uncertain significance. Review status: criteria provided, multiple submitters, no conflicts (2 of 4 stars). 2 submissions from 2 submitters: Uncertain significance (2). Last evaluated 2025-05-04.

Conditions:
Inborn genetic diseases. Identifiers: MedGen C0950123, MeSH D030342.

Allele frequency attached by ClinVar (database versions not stated): TOPMed 0.00001; gnomAD exomes below 0.00001; gnomAD 0.00001.

Submissions (2):

Labcorp Genetics (formerly Invitae), Labcorp
Classification: Uncertain significance. Last evaluated: 2025-05-04. Review status: criteria provided, single submitter. Criteria: Invitae Variant Classification Sherloc (09022015). Collection method: clinical testing. Allele origin: germline.
Comment: This sequence change replaces isoleucine, which is neutral and non-polar, with threonine, which is neutral and polar, at codon 451 of the SLC12A2 protein (p.Ile451Thr). This variant is present in population databases (no rsID available, gnomAD 0.01%). This variant has not been reported in the literature in individuals affected with SLC12A2-related conditions. ClinVar contains an entry for this variant (Variation ID: 2248089). Invitae Evidence Modeling of protein sequence and biophysical properties (such as structural, functional, and spatial information, amino acid conservation, physicochemical variation, residue mobility, and thermodynamic stability) indicates that this missense variant is not expected to disrupt SLC12A2 protein function with a negative predictive value of 80%. In summary, the available evidence is currently insufficient to determine the role of this variant in disease. Therefore, it has been classified as a Variant of Uncertain Significance.

Ambry Genetics
Classification: Uncertain significance for Inborn genetic diseases. Last evaluated: 2021-09-01. Review status: criteria provided, single submitter. Criteria: Ambry Variant Classification Scheme 2023. Collection method: clinical testing. Allele origin: germline.

NM_001046.3(SLC12A2):c.1352T>C (p.Ile451Thr)

Gene: SLC12A2 (solute carrier family 12 member 2; plus strand). Cytogenetic location: 5q23.3.
Variant type: single nucleotide variant.
Coding change: c.1352T>C on transcript NM_001046.3 (MANE Select); coding-DNA position 1352, T replaced by C.
Protein change: p.Ile451Thr; replaces isoleucine 451 with threonine.
Molecular consequence: missense variant. On other transcripts: non-coding transcript variant (1).
Genome position (GRCh38, 1-based): chr5:128,135,752, T>C. VCF-style: chr5-128135752-T-C. GRCh37 (hg19) VCF-style: chr5-127471444-T-C.
Other names: c.1352T>C, p.Ile451Thr (NM_001256461.2); short protein forms I451T.
Identifiers: ClinVar variation 2248089 (VCV002248089.4), dbSNP rs1011611143, ClinGen allele CA126974420.